The following is an entry in ClinVar:

NM_152443.3(RDH12):c.283C>T (p.Arg95Trp)

Genes: GPHN (gephyrin; plus strand), RDH12 (retinol dehydrogenase 12; plus strand). Cytogenetic location: 14q24.1.
Variant type: single nucleotide variant.
Coding change: c.283C>T on transcript NM_152443.3 (MANE Select); coding-DNA position 283, C replaced by T.
Protein change: p.Arg95Trp; replaces arginine 95 with tryptophan.
Molecular consequence: missense variant.
Genome position (GRCh38, 1-based): chr14:67,725,194, C>T. VCF-style: chr14-67725194-C-T. GRCh37 (hg19) VCF-style: chr14-68191911-C-T.
Other names: short protein forms R95W.
Identifiers: ClinVar variation 313837 (VCV000313837.14), dbSNP rs552516182, ClinGen allele CA7238660.

ClinVar aggregate classification (germline): Conflicting classifications of pathogenicity. Review status: criteria provided, conflicting classifications (1 of 4 stars). 6 submissions from 6 submitters: Uncertain significance (5); Benign (1). Last evaluated 2026-09-15.

Conditions:
RDH12-related disorder. Also called: RDH12-related disorders; RDH12-related condition.
Retinitis pigmentosa (RP). Identifiers: Orphanet 791, MedGen C0035334, MeSH D012174, MONDO:0019200, OMIM 268000. Inheritance: Autosomal dominant, autosomal recessive and X linked inheritance.
Leber congenital amaurosis 13 (LCA13). Identifiers: MedGen C2675186, MONDO:0012990, OMIM 612712.
Retinal dystrophy. Also called: Inherited retinal dystrophy. Identifiers: HP:0000556, Orphanet 71862, MedGen C0854723, MeSH D058499, MONDO:0019118.

Allele frequency attached by ClinVar (database versions not stated): gnomAD 0.00001 and 0.00005; TOPMed 0.00001; ExAC 0.00002; gnomAD exomes 0.00004; 1000 Genomes Project 30x 0.00016; 1000 Genomes Project 0.00020.
gnomAD v4.1: 83 of 1,614,078 alleles (0.0051%); highest among the groups gnomAD compares: East Asian, 0.14%; 1 homozygote.

Submissions (6):

PreventionGenetics, part of Exact Sciences
Classification: Uncertain significance for RDH12-related condition. Last evaluated: 2026-09-15. Review status: criteria provided, single submitter. Criteria: ACMG Guidelines, 2015. Collection method: clinical testing. Allele origin: germline.
Comment: The RDH12 c.283C>T variant is predicted to result in the amino acid substitution p.Arg95Trp. To our knowledge, this variant has not been reported in the literature. This variant is present in 0.022% of alleles in individuals of East Asian descent in gnomAD. At this time, the clinical significance of this variant is uncertain due to the absence of conclusive functional and genetic evidence.

Labcorp Genetics (formerly Invitae), Labcorp
Classification: Uncertain significance for Leber congenital amaurosis 13. Last evaluated: 2024-10-16. Review status: criteria provided, single submitter. Criteria: Invitae Variant Classification Sherloc (09022015). Collection method: clinical testing. Allele origin: germline.
Comment: This sequence change replaces arginine, which is basic and polar, with tryptophan, which is neutral and slightly polar, at codon 95 of the RDH12 protein (p.Arg95Trp). This variant is present in population databases (rs552516182, gnomAD 0.02%). This variant has not been reported in the literature in individuals affected with RDH12-related conditions. ClinVar contains an entry for this variant (Variation ID: 313837). Invitae Evidence Modeling of protein sequence and biophysical properties (such as structural, functional, and spatial information, amino acid conservation, physicochemical variation, residue mobility, and thermodynamic stability) indicates that this missense variant is not expected to disrupt RDH12 protein function with a negative predictive value of 80%. In summary, the available evidence is currently insufficient to determine the role of this variant in disease. Therefore, it has been classified as a Variant of Uncertain Significance.

Dept Of Ophthalmology, Nagoya University
Classification: Benign for Retinal dystrophy. Last evaluated: 2023-10-01. Review status: criteria provided, single submitter. Criteria: Submitter's publication. Collection method: research. Allele origin: germline. Affected: yes.

Blueprint Genetics
Classification: Uncertain significance. Last evaluated: 2022-05-19. Review status: criteria provided, single submitter. Criteria: ACMG Guidelines, 2015. Collection method: clinical testing. Allele origin: germline.

MGZ Medical Genetics Center
Classification: Uncertain significance for Leber congenital amaurosis 13. Last evaluated: 2021-12-23. Review status: criteria provided, single submitter. Criteria: ACMG Guidelines, 2015. Collection method: clinical testing. Allele origin: germline. Affected: yes. Observed: 1 variant allele.
Comment: ACMG criteria applied: PM2_SUP, PP3

Illumina Laboratory Services, Illumina
Classification: Uncertain significance for Retinitis pigmentosa. Last evaluated: 2018-01-13. Review status: criteria provided, single submitter. Criteria: ICSL Variant Classification Criteria 13 December 2019. Collection method: clinical testing. Allele origin: germline.